The following is an entry in ClinVar:

NM_004453.4(ETFDH):c.685-604G>A

Gene: ETFDH (electron transfer flavoprotein dehydrogenase; plus strand). Cytogenetic location: 4q32.1.
Variant type: single nucleotide variant.
Coding change: c.685-604G>A on transcript NM_004453.4 (MANE Select); 604 bases into the intron before coding-DNA position 685, G replaced by A.
Molecular consequence: intron variant.
Genome position (GRCh38, 1-based): chr4:158,694,893, G>A. VCF-style: chr4-158694893-G-A. GRCh37 (hg19) VCF-style: chr4-159616045-G-A.
Other names: c.544-604G>A (NM_001281737.2); c.502-604G>A (NM_001281738.1).
Identifiers: ClinVar variation 3901999 (VCV003901999.1).
Genomic context (GRCh38, chr4:158,694,893, plus strand): 5'-TCTTATAGGAATAAAAGCACCAATATTGTACGTGTATACAGGTGTCCCTTGGTGTGCACG[G>A]TAGACTGGCTCCATGACCCTCCAAGTATACCAAAATTCATGCATACTCAAGTCCCAAAGT-3'

ClinVar aggregate classification (germline): Uncertain significance (1 of 4 stars; one submission).

Conditions:
Multiple acyl-CoA dehydrogenase deficiency (MADD). Also called: ETHYLMALONIC-ADIPICACIDURIA; GA II; Glutaric Acidemia type 2; Glutaric aciduria, type 2; Glutaric acidemia type II; GA 2. Identifiers: Orphanet 26791, MedGen C0268596, MONDO:0009282, OMIM 231680.

Submission:

Laboratorio de Genetica e Diagnostico Molecular, Hospital Israelita Albert Einstein
Classification: Uncertain significance for Multiple acyl-CoA dehydrogenase deficiency. Last evaluated: 2025-02-13. Review status: criteria provided, single submitter. Criteria: ACMG Guidelines, 2015. Collection method: clinical testing. Allele origin: germline. Affected: yes.
Comment: ACMG classification criteria: PM2 supporting, BP4 supporting